The following is an entry in ClinVar:

NM_003922.4(HERC1):c.14500A>G (p.Ile4834Val)

Gene: HERC1 (HECT and RLD domain containing E3 ubiquitin protein ligase family member 1; minus strand). Cytogenetic location: 15q22.31.
Variant type: single nucleotide variant.
Coding change: c.14500A>G on transcript NM_003922.4 (MANE Select); coding-DNA position 14500, A replaced by G.
Protein change: p.Ile4834Val; replaces isoleucine 4834 with valine.
Molecular consequence: missense variant.
Genome position (GRCh38, 1-based): chr15:63,609,167, T>C on the plus strand (A>G on the coding strand, the complement: HERC1 is on the minus strand). VCF-style: chr15-63609167-T-C. GRCh37 (hg19) VCF-style: chr15-63901366-T-C.
Other names: short protein forms I4834V.
Identifiers: ClinVar variation 4701181 (VCV004701181.1).
Genomic context (GRCh38, chr15:63,609,167, plus strand): 5'-CGTTGTCCACGTTTCTCGAGAGCATGTAGTTGTCCATGTCGATTGAGCGGCAGTTGTTGA[T>C]GGCATAGCGCAGGCGCTCGGCCATGACCAGCTGGCTGGAGTACGGGGGCAGCCTCAGCTG-3'
Protein context (NP_003913.3, residues 4824-4844): LVMAERLRYA[Ile4834Val]NNCRSIDMDN

ClinVar aggregate classification (germline): Uncertain significance (1 of 4 stars; one submission).

gnomAD v4.1: 6 of 1,613,788 alleles (0.00037%); highest among the groups gnomAD compares: East Asian, 0.0022%; no homozygotes.

Submission:

Labcorp Genetics (formerly Invitae), Labcorp
Classification: Uncertain significance. Last evaluated: 2025-09-02. Review status: criteria provided, single submitter. Criteria: Invitae Variant Classification Sherloc (09022015). Collection method: clinical testing. Allele origin: germline.
Comment: This sequence change replaces isoleucine, which is neutral and non-polar, with valine, which is neutral and non-polar, at codon 4834 of the HERC1 protein (p.Ile4834Val). This variant is present in population databases (no rsID available, gnomAD 0.007%). This variant has not been reported in the literature in individuals affected with HERC1-related conditions. Invitae Evidence Modeling of protein sequence and biophysical properties (such as structural, functional, and spatial information, amino acid conservation, physicochemical variation, residue mobility, and thermodynamic stability) has been performed for this missense variant. However, the output from this modeling did not meet the statistical confidence thresholds required to predict the impact of this variant on HERC1 protein function. In summary, the available evidence is currently insufficient to determine the role of this variant in disease. Therefore, it has been classified as a Variant of Uncertain Significance.